The following is an entry in ClinVar:

NM_001365536.1(SCN9A):c.62C>T (p.Ala21Val)

Gene: SCN9A (sodium voltage-gated channel alpha subunit 9; minus strand). Cytogenetic location: 2q24.3.
Variant type: single nucleotide variant.
Coding change: c.62C>T on transcript NM_001365536.1 (MANE Select); coding-DNA position 62, C replaced by T.
Protein change: p.Ala21Val; replaces alanine 21 with valine.
Molecular consequence: missense variant.
Genome position (GRCh38, 1-based): chr2:166,311,695, G>A on the plus strand (C>T on the coding strand, the complement: SCN9A is on the minus strand). VCF-style: chr2-166311695-G-A. GRCh37 (hg19) VCF-style: chr2-167168205-G-A.
Other names: c.62C>T, p.Ala21Val (NM_002977.4); short protein forms A21V.
Identifiers: ClinVar variation 1026160 (VCV001026160.9), dbSNP rs1458587448, ClinGen allele CA349096191.
Genomic context (GRCh38, chr2:166,311,695, plus strand): 5'-TCTTTCTTTTCTTCTTTGGGTTCCTTTGATTTTCTTTCAGCAATGCGTTGTTCAATGAGG[G>A]CAAGAGACTGTTTTGTGAAATGGACAAAGCTCTGAGGTCCTGGGGGAGGCAACATTGCCA-3'
Protein context (NP_001352465.1, residues 11-31): SFVHFTKQSL[Ala21Val]LIEQRIAERK

ClinVar aggregate classification (germline): Uncertain significance (1 of 4 stars; one submission).

Conditions:
Neuropathy, hereditary sensory and autonomic, type 2A (HSAN2A). Also called: MORVAN DISEASE; NEUROPATHY, CONGENITAL SENSORY; NEUROPATHY, HEREDITARY SENSORY RADICULAR, AUTOSOMAL RECESSIVE; NEUROPATHY, HEREDITARY SENSORY, TYPE IIA; NEUROPATHY, PROGRESSIVE SENSORY, OF CHILDREN; WNK1-Related HSAN2 (HSAN2A). Identifiers: Orphanet 970, MedGen C2752089, MONDO:0024309, OMIM 201300.
Generalized epilepsy with febrile seizures plus, type 7 (GEFSP7). Also called: GEFS+, TYPE 7. Identifiers: Orphanet 36387, MedGen C2751778, MONDO:0013470, OMIM 613863.

Allele frequency attached by ClinVar (database versions not stated): gnomAD exomes below 0.00001.
gnomAD v4.1: 2 of 1,612,932 alleles (0.00012%); highest among the groups gnomAD compares: East Asian, 0.0045%; no homozygotes.

Submission:

Labcorp Genetics (formerly Invitae), Labcorp
Classification: Uncertain significance for Neuropathy, hereditary sensory and autonomic, type 2A; Generalized epilepsy with febrile seizures plus, type 7. Last evaluated: 2020-02-05. Review status: criteria provided, single submitter. Criteria: Invitae Variant Classification Sherloc (09022015). Collection method: clinical testing. Allele origin: germline.
Comment: In summary, the available evidence is currently insufficient to determine the role of this variant in disease. Therefore, it has been classified as a Variant of Uncertain Significance. Algorithms developed to predict the effect of missense changes on protein structure and function (SIFT, PolyPhen-2, Align-GVGD) all suggest that this variant is likely to be tolerated, but these predictions have not been confirmed by published functional studies and their clinical significance is uncertain. This variant has not been reported in the literature in individuals with SCN9A-related conditions. This variant is not present in population databases (ExAC no frequency). This sequence change replaces alanine with valine at codon 21 of the SCN9A protein (p.Ala21Val). The alanine residue is moderately conserved and there is a small physicochemical difference between alanine and valine.